The following is an entry in ClinVar:

NM_019098.5(CNGB3):c.530A>G (p.Asp177Gly)

Gene: CNGB3 (cyclic nucleotide gated channel subunit beta 3; minus strand). Cytogenetic location: 8q21.3.
Variant type: single nucleotide variant.
Coding change: c.530A>G on transcript NM_019098.5 (MANE Select); coding-DNA position 530, A replaced by G.
Protein change: p.Asp177Gly; replaces aspartic acid 177 with glycine.
Molecular consequence: missense variant.
Genome position (GRCh38, 1-based): chr8:86,668,132, T>C on the plus strand (A>G on the coding strand, the complement: CNGB3 is on the minus strand). VCF-style: chr8-86668132-T-C. GRCh37 (hg19) VCF-style: chr8-87680360-T-C.
Other names: short protein forms D177G.
Identifiers: ClinVar variation 1992270 (VCV001992270.1), dbSNP rs1269990188, ClinGen allele CA371449941.

ClinVar aggregate classification (germline): Uncertain significance (1 of 4 stars; one submission).

Allele frequency attached by ClinVar (database versions not stated): gnomAD exomes below 0.00001; TOPMed below 0.00001; gnomAD 0.00001.
gnomAD v4.1: 8 of 1,613,870 alleles (0.0005%); highest among the groups gnomAD compares: Non-Finnish European, 0.00068%; no homozygotes.

Submission:

Labcorp Genetics (formerly Invitae), Labcorp
Classification: Uncertain significance. Last evaluated: 2022-03-17. Review status: criteria provided, single submitter. Criteria: Invitae Variant Classification Sherloc (09022015). Collection method: clinical testing. Allele origin: germline.
Comment: This sequence change replaces aspartic acid, which is acidic and polar, with glycine, which is neutral and non-polar, at codon 177 of the CNGB3 protein (p.Asp177Gly). This variant is present in population databases (no rsID available, gnomAD 0.0009%). This variant has not been reported in the literature in individuals affected with CNGB3-related conditions. Advanced modeling of protein sequence and biophysical properties (such as structural, functional, and spatial information, amino acid conservation, physicochemical variation, residue mobility, and thermodynamic stability) performed at Invitae indicates that this missense variant is not expected to disrupt CNGB3 protein function. In summary, the available evidence is currently insufficient to determine the role of this variant in disease. Therefore, it has been classified as a Variant of Uncertain Significance.